The following is an entry in ClinVar:

NM_024757.5(EHMT1):c.1204G>A (p.Val402Met)

Gene: EHMT1 (euchromatic histone lysine methyltransferase 1; plus strand). Cytogenetic location: 9q34.3.
Variant type: single nucleotide variant.
Coding change: c.1204G>A on transcript NM_024757.5 (MANE Select); coding-DNA position 1204, G replaced by A.
Protein change: p.Val402Met; replaces valine 402 with methionine.
Molecular consequence: missense variant.
Genome position (GRCh38, 1-based): chr9:137,752,364, G>A. VCF-style: chr9-137752364-G-A. GRCh37 (hg19) VCF-style: chr9-140646816-G-A.
Other names: c.1204G>A, p.Val402Met (NM_001145527.2, NM_001354611.2); c.1111G>A, p.Val371Met (NM_001354259.2, NM_001354612.2); c.1183G>A, p.Val395Met (NM_001354263.2); short protein forms V395M, V402M, V371M.
Identifiers: ClinVar variation 838132 (VCV000838132.12), dbSNP rs369984436, ClinGen allele CA201783978.

ClinVar aggregate classification (germline): Conflicting classifications of pathogenicity. Review status: criteria provided, conflicting classifications (1 of 4 stars). 3 submissions from 3 submitters: Uncertain significance (2); Benign (1). Last evaluated 2025-11-12.

Conditions:
Kleefstra syndrome 1 (KLEFS1). Identifiers: Orphanet 261494, MedGen C0795833, MONDO:0027407, OMIM 610253.
Inborn genetic diseases. Identifiers: MedGen C0950123, MeSH D030342.

Allele frequency attached by ClinVar (database versions not stated): gnomAD 0.00004 and 0.00003; gnomAD exomes below 0.00001; TOPMed 0.00006; ESP Exome Variant Server 0.00008.
gnomAD v4.1: 10 of 1,614,068 alleles (0.00062%); highest among the groups gnomAD compares: African/African-American, 0.008%; no homozygotes.

Submissions (3):

Ambry Genetics
Classification: Uncertain significance for Inborn genetic diseases. Last evaluated: 2025-11-12. Review status: criteria provided, single submitter. Criteria: Ambry Variant Classification Scheme 2023. Collection method: clinical testing. Allele origin: germline.

Labcorp Genetics (formerly Invitae), Labcorp
Classification: Benign for Kleefstra syndrome 1. Last evaluated: 2025-04-27. Review status: criteria provided, single submitter. Criteria: Invitae Variant Classification Sherloc (09022015). Collection method: clinical testing. Allele origin: germline.

GeneDx
Classification: Uncertain significance. Last evaluated: 2023-10-02. Review status: criteria provided, single submitter. Criteria: GeneDx Variant Classification Process June 2021. Collection method: clinical testing. Allele origin: germline. Affected: yes.
Comment: In silico analysis supports that this missense variant does not alter protein structure/function; Has not been previously published as pathogenic or benign to our knowledge